The following is an entry in ClinVar:

NM_153006.3(NAGS):c.1086T>C (p.Phe362=)

Gene: NAGS (N-acetylglutamate synthase; plus strand). Cytogenetic location: 17q21.31.
Variant type: single nucleotide variant.
Coding change: c.1086T>C on transcript NM_153006.3 (MANE Select); coding-DNA position 1086, T replaced by C.
Protein change: p.Phe362=; no amino-acid change (phenylalanine 362 retained).
Molecular consequence: synonymous variant.
Genome position (GRCh38, 1-based): chr17:44,006,699, T>C. VCF-style: chr17-44006699-T-C. GRCh37 (hg19) VCF-style: chr17-42084067-T-C.
Other names: p.F362F:TTT>TTC; p.Phe362=.
Identifiers: ClinVar variation 203863 (VCV000203863.23), dbSNP rs55708447, ClinGen allele CA312792.
Genomic context (GRCh38, chr17:44,006,699, plus strand): 5'-CCTGCCCCACCACTCCTCGGCCGTCATCACCGCCGCTAGCACGCTGCTCACTGAGCTCTT[T>C]AGCAACAAGGGTGAGGGCGGTGGGCGGGCCGGGGACTGGGTCCCGGGAGTGAGTACTGGC-3'
Protein context (NP_694551.1, residues 352-372): TAASTLLTEL[Phe362=]SNKGSGTLFK

ClinVar aggregate classification (germline): Benign/Likely benign. Review status: criteria provided, multiple submitters, no conflicts (2 of 4 stars). 10 submissions from 10 submitters: Benign (5); Likely benign (2). 3 of the submissions do not count toward it. Last evaluated 2026-02-04.

Conditions:
Hyperammonemia, type III (NAGSD). Also called: Hyperammonemia due to N-acetylglutamate synthase deficiency. Identifiers: Orphanet 927, MedGen C0268543, MONDO:0009377, OMIM 237310.

Allele frequency attached by ClinVar (database versions not stated): 1000 Genomes Project 0.10683; 1000 Genomes Project 30x 0.10759; TOPMed 0.14584; ESP Exome Variant Server 0.15468; gnomAD exomes 0.15719 and 0.18867; gnomAD 0.16039 and 0.16339; ExAC 0.16782.
gnomAD v4.1: 297,678 of 1,606,072 alleles (19%); highest among the groups gnomAD compares: Non-Finnish European, 20%; 29,553 homozygotes.

Submissions (10):

Labcorp Genetics (formerly Invitae), Labcorp
Classification: Benign for Hyperammonemia, type III. Last evaluated: 2026-02-04. Review status: criteria provided, single submitter. Criteria: Invitae Variant Classification Sherloc (09022015). Collection method: clinical testing. Allele origin: germline.

Mayo Clinic Laboratories, Mayo Clinic
Classification: Benign. Last evaluated: 2021-10-17. Review status: criteria provided, single submitter. Criteria: ACMG Guidelines, 2015. Collection method: clinical testing. Allele origin: germline. Observed: 18 variant alleles.

Genome-Nilou Lab
Classification: Benign for Hyperammonemia, type III. Last evaluated: 2021-07-10. Review status: criteria provided, single submitter. Criteria: ACMG Guidelines, 2015. Collection method: clinical testing. Allele origin: germline. Affected: no.

Illumina Laboratory Services, Illumina
Classification: Benign for Hyperammonemia, type III. Last evaluated: 2018-01-12. Review status: criteria provided, single submitter. Criteria: ICSL Variant Classification Criteria 13 December 2019. Collection method: clinical testing. Allele origin: germline.
Comment: This variant was observed in the ICSL laboratory as part of a predisposition screen in an ostensibly healthy population. It had not been previously curated by ICSL or reported in the Human Gene Mutation Database (HGMD: prior to June 1st, 2018), and was therefore a candidate for classification through an automated scoring system. Utilizing variant allele frequency, disease prevalence and penetrance estimates, and inheritance mode, an automated score was calculated to assess if this variant is too frequent to cause the disease. Based on the score and internal cut-off values, a variant classified as benign is not then subjected to further curation. The score for this variant resulted in a classification of benign for this disease.

GeneDx
Classification: Benign. Last evaluated: 2014-08-28. Review status: criteria provided, single submitter. Criteria: GeneDx Variant Classification (06012015). Collection method: clinical testing. Allele origin: germline. Affected: yes.
Comment: This variant is considered likely benign or benign based on one or more of the following criteria: it is a conservative change, it occurs at a poorly conserved position in the protein, it is predicted to be benign by multiple in silico algorithms, and/or has population frequency not consistent with disease.

Breakthrough Genomics
Classification: Likely benign. Review status: criteria provided, single submitter. Criteria: ACMG Guidelines, 2015. Collection method: not provided. Allele origin: germline. Inheritance: Autosomal recessive inheritance. Affected: yes.

PreventionGenetics, part of Exact Sciences
Classification: Likely benign. Review status: criteria provided, single submitter. Criteria: ACMG Guidelines, 2015. Collection method: clinical testing. Allele origin: germline.

Natera, Inc.
Classification: Benign for Hyperammonemia type III. Last evaluated: 2020-09-16. Review status: no assertion criteria provided. Collection method: clinical testing. Allele origin: germline. Not counted in ClinVar's aggregate classification.

Clinical Genetics DNA and cytogenetics Diagnostics Lab, Erasmus MC, Erasmus Medical Center
Classification: Benign. Review status: no assertion criteria provided. Collection method: clinical testing. Allele origin: germline. Affected: yes. Study: VKGL Data-share Consensus. Not counted in ClinVar's aggregate classification.

Clinical Genetics, Academic Medical Center
Classification: Benign. Review status: no assertion criteria provided. Collection method: clinical testing. Allele origin: germline. Affected: yes. Study: VKGL Data-share Consensus. Not counted in ClinVar's aggregate classification.